The following is an entry in ClinVar:

ClinVar aggregate classification (germline): Uncertain significance. Review status: criteria provided, multiple submitters, no conflicts (2 of 4 stars). 2 submissions from 2 submitters: Uncertain significance (2). Last evaluated 2025-09-20.

Conditions:
Charcot-Marie-Tooth disease type 2. Also called: Charcot-Marie-Tooth type 2. Identifiers: Orphanet 64746, MedGen C0270914, MONDO:0018993.

Allele frequency attached by ClinVar (database versions not stated): 1000 Genomes Project 30x 0.00062; TOPMed 0.00006; gnomAD exomes 0.00002; ExAC 0.00004; gnomAD 0.00006 and 0.00009; 1000 Genomes Project 0.00080.
gnomAD v4.1: 43 of 1,611,678 alleles (0.0027%); highest among the groups gnomAD compares: African/African-American, 0.047%; no homozygotes.

Submissions (2):

Labcorp Genetics (formerly Invitae), Labcorp
Classification: Uncertain significance for Charcot-Marie-Tooth disease type 2. Last evaluated: 2025-09-20. Review status: criteria provided, single submitter. Criteria: Invitae Variant Classification Sherloc (09022015). Collection method: clinical testing. Allele origin: germline.
Comment: This sequence change falls in intron 20 of the KIF1B gene. It does not directly change the encoded amino acid sequence of the KIF1B protein. It affects a nucleotide within the consensus splice site. This variant is present in population databases (rs149407490, gnomAD 0.04%), and has an allele count higher than expected for a pathogenic variant. This variant has not been reported in the literature in individuals affected with KIF1B-related conditions. ClinVar contains an entry for this variant (Variation ID: 289461). Variants that disrupt the consensus splice site are a relatively common cause of aberrant splicing (PMID: 17576681, 9536098). Algorithms developed to predict the effect of sequence changes on RNA splicing suggest that this variant is not likely to affect RNA splicing. In summary, the available evidence is currently insufficient to determine the role of this variant in disease. Therefore, it has been classified as a Variant of Uncertain Significance.

Eurofins Ntd Llc (ga)
Classification: Uncertain significance. Last evaluated: 2016-08-26. Review status: criteria provided, single submitter. Criteria: EGL Classification Definitions 2015. Collection method: clinical testing. Allele origin: germline. Observed: 1 variant allele, 1 heterozygote.

Literature cited by the submitters: PubMed 17576681 (cited by Labcorp Genetics (formerly Invitae), Labcorp); PubMed 9536098 (cited by Labcorp Genetics (formerly Invitae), Labcorp).

NM_001365951.3(KIF1B):c.2115+6A>T

Gene: KIF1B (kinesin family member 1B; plus strand). Cytogenetic location: 1p36.22.
Variant type: single nucleotide variant.
Coding change: c.2115+6A>T on transcript NM_001365951.3 (MANE Select); 6 bases into the intron after coding-DNA position 2115, A replaced by T.
Molecular consequence: intron variant.
Genome position (GRCh38, 1-based): chr1:10,297,252, A>T. VCF-style: chr1-10297252-A-T. GRCh37 (hg19) VCF-style: chr1-10357310-A-T.
Other names: c.1977+6A>T (NM_183416.4, NM_015074.3, NM_001365953.1); c.2115+6A>T (NM_001365952.1).
Identifiers: ClinVar variation 289461 (VCV000289461.12), dbSNP rs149407490, ClinGen allele CA581156.
Genomic context (GRCh38, chr1:10,297,252, plus strand): 5'-CTTATACAAAAAGGAGAAGGAAGAAGCAGATCTTCTTTTGGAGCAGCAGAGACTGGTAGG[A>T]GTCCTGAATCTGCTAAACTGTTGGGAAAAGGGCAGCTTGTTCCCATACTTTCCCTGTTCC-3'